The following is an entry in ClinVar:

NM_000199.5(SGSH):c.1241_1242dup (p.Thr415fs)

Gene: SGSH (N-sulfoglucosamine sulfohydrolase; minus strand). Cytogenetic location: 17q25.3.
Variant type: Duplication.
Coding change: c.1241_1242dup on transcript NM_000199.5 (MANE Select); coding-DNA positions 1241 to 1242, 2 bases duplicated (GC; older notation c.1241_1242dupGC).
Protein change: p.Thr415fs; shifts the reading frame from threonine 415.
Molecular consequence: frameshift variant. On other transcripts: 3 prime UTR variant (2), non-coding transcript variant (1).
Genome position (GRCh38, 1-based): chr17:80,210,719-80,210,720, GC duplicated on the plus strand (GC on the coding strand, the reverse complement: SGSH is on the minus strand); duplicating any 2 consecutive bases within chr17:80,210,719-80,210,721 gives the same sequence; the c. name uses the placement nearest the transcript's 3' end. VCF-style (leftmost placement, unchanged base first): chr17-80210718-T-TGC. GRCh37 (hg19) VCF-style: chr17-78184517-T-TGC.
Other names: c.*328_*329dup (NM_001352921.3); c.*291_*292dup (NM_001352922.2); short protein forms T415fs.
Identifiers: ClinVar variation 1073350 (VCV001073350.11), dbSNP rs1484648912, ClinGen allele CA775533675.

ClinVar aggregate classification (germline): Pathogenic. Review status: criteria provided, multiple submitters, no conflicts (2 of 4 stars). 2 submissions from 2 submitters: Pathogenic (2). Last evaluated 2024-12-19.

Conditions:
Mucopolysaccharidosis, MPS-III-A (MPS3A). Also called: MPS III A; Mucopolysaccharidosis type IIIA (Sanfilippo A); HEPARAN SULFATE SULFATASE DEFICIENCY; SANFILIPPO SYNDROME A; SULFAMIDASE DEFICIENCY; Mucopolysaccharidosis, type IIIA. Identifiers: Orphanet 581, Orphanet 79269, MedGen C0086647, MONDO:0009655, OMIM 252900.

Submissions (2):

Victorian Clinical Genetics Services, Murdoch Childrens Research Institute
Classification: Pathogenic for Mucopolysaccharidosis, MPS-III-A. Last evaluated: 2024-12-19. Review status: criteria provided, single submitter. Criteria: ACMG Guidelines, 2015. Collection method: clinical testing. Allele origin: germline. Affected: yes.
Comment: This variant is classified as Pathogenic. Evidence in support of pathogenic classification: Variant is predicted to result in an elongated protein; Variant is present in gnomAD <0.01 for a recessive condition (v4: 1 heterozygote(s), 0 homozygote(s)) ; This variant has limited previous evidence of pathogenicity in an unrelated individual. This variant has been classified as pathogenic by a clinical laboratory (ClinVar); Other variants resulting in an elongated protein comparable to the one identified in this case have very strong previous evidence for pathogenicity (DECIPHER). Additional information: This variant is heterozygous; This gene is associated with autosomal recessive disease; No published segregation evidence has been identified for this variant; No published functional evidence has been identified for this variant; Variant affects the annotated SGSH C-terminal domain (DECIPHER); Loss of function is a known mechanism of disease in this gene and is associated with mucopolysaccharidosis type IIIA (Sanfilippo A) (MIM#252900); Heterozygous variant detected in trans with a second PATHOGENIC heterozygous variant (NM_000199.5(SGSH):c.734G>A; p.(Arg245His)) in a recessive disease.

Labcorp Genetics (formerly Invitae), Labcorp
Classification: Pathogenic for Mucopolysaccharidosis, MPS-III-A. Last evaluated: 2023-10-25. Review status: criteria provided, single submitter. Criteria: Invitae Variant Classification Sherloc (09022015). Collection method: clinical testing. Allele origin: germline.
Comment: This sequence change results in a frameshift in the SGSH gene (p.Thr415Alafs*177). While this is not anticipated to result in nonsense mediated decay, it is expected to disrupt the last 88 amino acid(s) of the SGSH protein and extend the protein by 88 additional amino acid residues. This variant is not present in population databases (gnomAD no frequency). This variant has not been reported in the literature in individuals affected with SGSH-related conditions. ClinVar contains an entry for this variant (Variation ID: 1073350). This variant disrupts a region of the SGSH protein in which other variant(s) (p.Tyr424*) have been determined to be pathogenic (PMID: 7493035, 27590925). This suggests that this is a clinically significant region of the protein, and that variants that disrupt it are likely to be disease-causing. For these reasons, this variant has been classified as Pathogenic.

Literature cited by the submitters: PubMed 7493035 (cited by Labcorp Genetics (formerly Invitae), Labcorp); PubMed 27590925 (cited by Labcorp Genetics (formerly Invitae), Labcorp).